The following is an entry in ClinVar:

ClinVar aggregate classification (germline): Uncertain significance. Review status: criteria provided, multiple submitters, no conflicts (2 of 4 stars). 2 submissions from 2 submitters: Uncertain significance (2). Last evaluated 2025-03-18.

Allele frequency attached by ClinVar (database versions not stated): gnomAD exomes 0.00008; gnomAD 0.00010; ExAC 0.00012; TOPMed 0.00012; ESP Exome Variant Server 0.00023.
gnomAD v4.1: 134 of 1,534,700 alleles (0.0087%); highest among the groups gnomAD compares: Middle Eastern, 0.07%; no homozygotes.

Submissions (2):

Ambry Genetics
Classification: Uncertain significance. Last evaluated: 2025-03-18. Review status: criteria provided, single submitter. Criteria: Ambry Variant Classification Scheme 2023. Collection method: clinical testing. Allele origin: germline.

Labcorp Genetics (formerly Invitae), Labcorp
Classification: Uncertain significance. Last evaluated: 2024-03-09. Review status: criteria provided, single submitter. Criteria: Invitae Variant Classification Sherloc (09022015). Collection method: clinical testing. Allele origin: germline.
Comment: This sequence change replaces proline, which is neutral and non-polar, with serine, which is neutral and polar, at codon 882 of the TNK2 protein (p.Pro882Ser). This variant is present in population databases (rs200979285, gnomAD 0.1%). This variant has not been reported in the literature in individuals affected with TNK2-related conditions. ClinVar contains an entry for this variant (Variation ID: 2412462). Algorithms developed to predict the effect of missense changes on protein structure and function output the following: SIFT: "Not Available"; PolyPhen-2: "Benign"; Align-GVGD: "Not Available". The serine amino acid residue is found in multiple mammalian species, which suggests that this missense change does not adversely affect protein function. In summary, the available evidence is currently insufficient to determine the role of this variant in disease. Therefore, it has been classified as a Variant of Uncertain Significance.

NM_001382273.1(TNK2):c.2455C>T (p.Pro819Ser)

Gene: TNK2 (tyrosine kinase non receptor 2; minus strand). Cytogenetic location: 3q29.
Variant type: single nucleotide variant.
Coding change: c.2455C>T on transcript NM_001382273.1 (MANE Select); coding-DNA position 2455, C replaced by T.
Protein change: p.Pro819Ser; replaces proline 819 with serine.
Molecular consequence: missense variant. On other transcripts: non-coding transcript variant (15).
Genome position (GRCh38, 1-based): chr3:195,867,843, G>A on the plus strand (C>T on the coding strand, the complement: TNK2 is on the minus strand). VCF-style: chr3-195867843-G-A. GRCh37 (hg19) VCF-style: chr3-195594714-G-A.
Other names: c.2527C>T, p.Pro843Ser (NM_001010938.2, NM_001382272.1); c.2506C>T, p.Pro836Ser (NM_001308046.2, NM_001382271.1); c.2455C>T, p.Pro819Ser (NM_001382274.1, NM_001387716.1, NM_001387717.1 and 1 more transcripts); c.2551C>T, p.Pro851Ser (NM_001382275.1, NM_001387707.1); c.2410C>T, p.Pro804Ser (NM_001386164.1, NM_001387709.1, NM_001387710.1 and 8 more transcripts); c.2482C>T, p.Pro828Ser (NM_001387708.1, NM_001387715.1); short protein forms P828S, P843S, P819S, P836S, P851S, P804S.
Identifiers: ClinVar variation 2412462 (VCV002412462.5), dbSNP rs200979285, ClinGen allele CA2775916.